The following is an entry in ClinVar:

ClinVar aggregate classification (germline): Uncertain significance (1 of 4 stars; one submission).

Conditions:
Hypotonia, ataxia, and delayed development syndrome (HADDS). Also called: EBF3 Neurodevelopmental Disorder. Identifiers: Orphanet 658843, MedGen C4310618, MONDO:0015021, OMIM 617330.

Allele frequency attached by ClinVar (database versions not stated): gnomAD exomes 0.00003 and below 0.00001; gnomAD 0.00001; ExAC 0.00002; TOPMed 0.00002.
gnomAD v4.1: 13 of 1,614,250 alleles (0.00081%); highest among the groups gnomAD compares: Admixed American, 0.005%; no homozygotes.

Submission:

Laboratorio de Genetica e Diagnostico Molecular, Hospital Israelita Albert Einstein
Classification: Uncertain significance for Hypotonia, ataxia, and delayed development syndrome. Last evaluated: 2021-11-16. Review status: criteria provided, single submitter. Criteria: ACMG Guidelines, 2015. Collection method: clinical testing. Allele origin: germline. Affected: yes.
Comment: ACMG classification criteria: BP4 supporting

NM_001375380.1(EBF3):c.1342G>A (p.Val448Met)

Gene: EBF3 (EBF transcription factor 3; minus strand). Cytogenetic location: 10q26.3.
Variant type: single nucleotide variant.
Coding change: c.1342G>A on transcript NM_001375380.1 (MANE Select); coding-DNA position 1342, G replaced by A.
Protein change: p.Val448Met; replaces valine 448 with methionine.
Molecular consequence: missense variant.
Genome position (GRCh38, 1-based): chr10:129,842,146, C>T on the plus strand (G>A on the coding strand, the complement: EBF3 is on the minus strand). VCF-style: chr10-129842146-C-T. GRCh37 (hg19) VCF-style: chr10-131640410-C-T.
Other names: c.1315G>A, p.Val439Met (NM_001005463.3, NM_001375390.1, NM_001375392.1); c.1342G>A, p.Val448Met (NM_001375379.1, NM_001375389.1, NM_001375391.1); short protein forms V439M, V448M.
Identifiers: ClinVar variation 1683518 (VCV001683518.2), dbSNP rs773093643, ClinGen allele CA5748400.